The following is an entry in ClinVar:

ClinVar aggregate classification (germline): Uncertain significance (1 of 4 stars; one submission).

Allele frequency attached by ClinVar (database versions not stated): gnomAD exomes below 0.00001; TOPMed below 0.00001; gnomAD 0.00001.
gnomAD v4.1: 4 of 1,614,074 alleles (0.00025%); highest among the groups gnomAD compares: African/African-American, 0.004%; no homozygotes.

Submission:

Labcorp Genetics (formerly Invitae), Labcorp
Classification: Uncertain significance. Last evaluated: 2022-07-08. Review status: criteria provided, single submitter. Criteria: Invitae Variant Classification Sherloc (09022015). Collection method: clinical testing. Allele origin: germline.
Comment: In summary, the available evidence is currently insufficient to determine the role of this variant in disease. Therefore, it has been classified as a Variant of Uncertain Significance. Algorithms developed to predict the effect of missense changes on protein structure and function (SIFT, PolyPhen-2, Align-GVGD) all suggest that this variant is likely to be tolerated. This variant has not been reported in the literature in individuals affected with PDP1-related conditions. This variant is present in population databases (no rsID available, gnomAD 0.01%). This sequence change replaces asparagine, which is neutral and polar, with threonine, which is neutral and polar, at codon 312 of the PDP1 protein (p.Asn312Thr).

NM_018444.4(PDP1):c.935A>C (p.Asn312Thr)

Gene: PDP1 (pyruvate dehydrogenase phosphatase catalytic subunit 1; plus strand). Cytogenetic location: 8q22.1.
Variant type: single nucleotide variant.
Coding change: c.935A>C on transcript NM_018444.4 (MANE Select); coding-DNA position 935, A replaced by C.
Protein change: p.Asn312Thr; replaces asparagine 312 with threonine.
Molecular consequence: missense variant.
Genome position (GRCh38, 1-based): chr8:93,922,994, A>C. VCF-style: chr8-93922994-A-C. GRCh37 (hg19) VCF-style: chr8-94935222-A-C.
Other names: c.1010A>C, p.Asn337Thr (NM_001161779.2, NM_001161780.2); c.935A>C, p.Asn312Thr (NM_001161781.2); short protein forms N337T, N312T.
Identifiers: ClinVar variation 2001166 (VCV002001166.4), dbSNP rs1034056443, ClinGen allele CA181375834.
Genomic context (GRCh38, chr8:93,922,994, plus strand): 5'-GCAGAGCCATGCTGGGTGTGCAGGAAGAGGACGGCTCATGGTCAGCAGTCACGCTGTCTA[A>C]TGACCACAATGCTCAAAATGAAAGAGAACTAGAACGGCTGAAATTGGAACATCCAAAGAG-3'
Protein context (NP_060914.2, residues 302-322): DGSWSAVTLS[Asn312Thr]DHNAQNEREL